The following is an entry in ClinVar:

NM_000393.5(COL5A2):c.369+20T>A

Gene: COL5A2 (collagen type V alpha 2 chain; minus strand). Cytogenetic location: 2q32.2.
Variant type: single nucleotide variant.
Coding change: c.369+20T>A on transcript NM_000393.5 (MANE Select); 20 bases into the intron after coding-DNA position 369, T replaced by A.
Molecular consequence: intron variant.
Genome position (GRCh38, 1-based): chr2:189,100,087, A>T on the plus strand (T>A on the coding strand, the complement: COL5A2 is on the minus strand). VCF-style: chr2-189100087-A-T. GRCh37 (hg19) VCF-style: chr2-189964813-A-T.
Identifiers: ClinVar variation 388972 (VCV000388972.1), dbSNP rs1057523292, ClinGen allele CA16604311.
Genomic context (GRCh38, chr2:189,100,087, plus strand): 5'-ACATAAGCAATAATATACAATTATACTATAAGCTAAGTTTATTTAAGGTACAAGGAAACA[A>T]TGATTATACATATACTTACAACAGGCACTAATCCTGGTTCTCCCTTTTGTCCCTGTGACA-3'

ClinVar aggregate classification (germline): Likely benign (1 of 4 stars; one submission).

Submission:

GeneDx
Classification: Likely benign. Last evaluated: 2016-09-02. Review status: criteria provided, single submitter. Criteria: GeneDx Variant Classification (06012015). Collection method: clinical testing. Allele origin: germline. Affected: yes.
Comment: This variant is considered likely benign or benign based on one or more of the following criteria: it is a conservative change, it occurs at a poorly conserved position in the protein, it is predicted to be benign by multiple in silico algorithms, and/or has population frequency not consistent with disease.